The following is an entry in ClinVar:

NM_000381.4(MID1):c.100G>A (p.Ala34Thr)

Gene: MID1 (midline 1; minus strand). Cytogenetic location: Xp22.2.
Variant type: single nucleotide variant.
Coding change: c.100G>A on transcript NM_000381.4 (MANE Select); coding-DNA position 100, G replaced by A.
Protein change: p.Ala34Thr; replaces alanine 34 with threonine.
Molecular consequence: missense variant.
Genome position (GRCh38, 1-based): chrX:10,567,448, C>T on the plus strand (G>A on the coding strand, the complement: MID1 is on the minus strand). VCF-style: chrX-10567448-C-T. GRCh37 (hg19) VCF-style: chrX-10535488-C-T.
Other names: c.100G>A, p.Ala34Thr (NM_001098624.2, NM_001193277.1, NM_001193278.1 and 5 more transcripts); c.100G>A (NM_000381.3); short protein forms A34T.
Identifiers: ClinVar variation 2891813 (VCV002891813.5), dbSNP rs201407794, ClinGen allele CA10347734.

ClinVar aggregate classification (germline): Benign. Review status: criteria provided, single submitter (1 of 4 stars). 2 submissions from 2 submitters: Benign (1). 1 of the submissions does not count toward it. Last evaluated 2025-01-27.

Conditions:
MID1-related disorder. Also called: MID1-related condition.

Allele frequency attached by ClinVar (database versions not stated): gnomAD 0.00011; gnomAD exomes 0.00017; ExAC 0.00005; TOPMed 0.00005; 1000 Genomes Project 30x 0.00042; 1000 Genomes Project 0.00026.
gnomAD v4.1: 193 of 1,209,369 alleles (0.016%); highest among the groups gnomAD compares: Non-Finnish European, 0.021%; no homozygotes.

Submissions (2):

Labcorp Genetics (formerly Invitae), Labcorp
Classification: Benign. Last evaluated: 2025-01-27. Review status: criteria provided, single submitter. Criteria: Invitae Variant Classification Sherloc (09022015). Collection method: clinical testing. Allele origin: germline.

PreventionGenetics, part of Exact Sciences
Classification: Likely benign for MID1-related condition. Last evaluated: 2020-11-25. Review status: no assertion criteria provided. Collection method: clinical testing. Allele origin: germline. Not counted in ClinVar's aggregate classification.
Comment: This variant is classified as likely benign based on ACMG/AMP sequence variant interpretation guidelines (Richards et al. 2015 PMID: 25741868, with internal and published modifications).